The following is an entry in ClinVar:

NM_002439.5(MSH3):c.2543+2T>C

Gene: MSH3 (mutS homolog 3; plus strand). Cytogenetic location: 5q14.1.
Variant type: single nucleotide variant.
Coding change: c.2543+2T>C on transcript NM_002439.5 (MANE Select); the canonical splice donor site of the intron after coding-DNA position 2543, T replaced by C.
Molecular consequence: splice donor variant.
Genome position (GRCh38, 1-based): chr5:80,787,674, T>C. VCF-style: chr5-80787674-T-C. GRCh37 (hg19) VCF-style: chr5-80083493-T-C.
Other names: c.2543+2T>C (NM_002439.3).
Identifiers: ClinVar variation 2673485 (VCV002673485.2), dbSNP rs2546784389, ClinGen allele CA360283492.
Genomic context (GRCh38, chr5:80,787,674, plus strand): 5'-GCAACTGTTGACTGCATTTTCTCCCTGGCCAAGGTCGCTAAGCAAGGAGATTACTGCAGG[T>C]AAGATATTTTTCATTTTCCTCTTTATCAGTGCTTTAGATAAGATGACATTATTCAATTAA-3'

ClinVar aggregate classification (germline): Conflicting classifications of pathogenicity. Review status: criteria provided, conflicting classifications (1 of 4 stars). 2 submissions from 2 submitters: Likely pathogenic (1); Uncertain significance (1). Last evaluated 2024-02-16.

Conditions:
Familial adenomatous polyposis 4 (FAP4). Also called: MSH3-related attenuated familial adenomatous polyposis. Identifiers: Orphanet 480536, MedGen C4310719, MONDO:0044300, OMIM 617100.
Hereditary cancer-predisposing syndrome. Also called: Tumor predisposition; Hereditary neoplastic syndrome; Neoplastic Syndromes, Hereditary; Hereditary Cancer Syndrome. Identifiers: Orphanet 140162, MedGen C0027672, MeSH D009386, MONDO:0015356.

Submissions (2):

Ambry Genetics
Classification: Uncertain significance for Hereditary cancer-predisposing syndrome. Last evaluated: 2024-02-16. Review status: criteria provided, single submitter. Criteria: Ambry Variant Classification Scheme 2023. Collection method: clinical testing. Allele origin: germline.
Comment: The c.2543+2T>C intronic variant results from a T to C substitution two nucleotide after coding exon 18 of the MSH3 gene. Alterations that disrupt the canonical splice site are expected to result in aberrant splicing. In silico splice site analysis predicts that this alteration may weaken the native splice donor site; however, direct evidence is insufficient at this time (Ambry internal data). The resulting transcript is predicted to be in-frame and is not expected to trigger nonsense-mediated mRNA decay; however, direct evidence is unavailable. The exact functional effect of the altered amino acid sequence is unknown. This nucleotide position is highly conserved in available vertebrate species. Based on the available evidence, the clinical significance of this alteration remains unclear.

Myriad Genetics, Inc.
Classification: Likely pathogenic for Familial adenomatous polyposis 4. Last evaluated: 2023-08-31. Review status: criteria provided, single submitter. Criteria: Myriad Autosomal Dominant, Autosomal Recessive and X-Linked Classification Criteria (2023). Collection method: clinical testing. Allele origin: unknown.
Comment: This variant is considered likely pathogenic. This variant occurs within a consensus splice junction and is predicted to result in abnormal mRNA splicing of either an out-of-frame exon or an in-frame exon necessary for protein stability and/or normal function.